The following is an entry in ClinVar:

NM_001172509.2(SATB2):c.530A>G (p.Asn177Ser)

Gene: SATB2 (SATB homeobox 2; minus strand). Cytogenetic location: 2q33.1.
Variant type: single nucleotide variant.
Coding change: c.530A>G on transcript NM_001172509.2 (MANE Select); coding-DNA position 530, A replaced by G.
Protein change: p.Asn177Ser; replaces asparagine 177 with serine.
Molecular consequence: missense variant.
Genome position (GRCh38, 1-based): chr2:199,380,431, T>C on the plus strand (A>G on the coding strand, the complement: SATB2 is on the minus strand). VCF-style: chr2-199380431-T-C. GRCh37 (hg19) VCF-style: chr2-200245154-T-C.
Other names: c.530A>G, p.Asn177Ser (NM_001172517.1, NM_015265.4); short protein forms N177S.
Identifiers: ClinVar variation 3254899 (VCV003254899.3), dbSNP rs773873672.

ClinVar aggregate classification (germline): Uncertain significance. Review status: criteria provided, multiple submitters, no conflicts (2 of 4 stars). 2 submissions from 2 submitters: Uncertain significance (2). Last evaluated 2025-08-09.

Conditions:
Chromosome 2q32-q33 deletion syndrome (GLASS). Also called: Glass syndrome; 2q33.1 deletion syndrome. Identifiers: Orphanet 251019, MedGen C2676739, MONDO:0012864, OMIM 612313.

Allele frequency attached by ClinVar (database versions not stated): gnomAD exomes below 0.00001; TOPMed below 0.00001; ExAC 0.00001.
gnomAD v4.1: 3 of 1,613,972 alleles (0.00019%); highest among the groups gnomAD compares: Non-Finnish European, 0.00017%; no homozygotes.

Submissions (2):

Labcorp Genetics (formerly Invitae), Labcorp
Classification: Uncertain significance for Chromosome 2q32-q33 deletion syndrome. Last evaluated: 2025-08-09. Review status: criteria provided, single submitter. Criteria: Invitae Variant Classification Sherloc (09022015). Collection method: clinical testing. Allele origin: germline.
Comment: This sequence change replaces asparagine, which is neutral and polar, with serine, which is neutral and polar, at codon 177 of the SATB2 protein (p.Asn177Ser). This variant is present in population databases (rs773873672, gnomAD 0.003%). This variant has not been reported in the literature in individuals affected with SATB2-related conditions. ClinVar contains an entry for this variant (Variation ID: 3254899). Invitae Evidence Modeling of protein sequence and biophysical properties (such as structural, functional, and spatial information, amino acid conservation, physicochemical variation, residue mobility, and thermodynamic stability) has been performed for this missense variant. However, the output from this modeling did not meet the statistical confidence thresholds required to predict the impact of this variant on SATB2 protein function. In summary, the available evidence is currently insufficient to determine the role of this variant in disease. Therefore, it has been classified as a Variant of Uncertain Significance.

Victorian Clinical Genetics Services, Murdoch Childrens Research Institute
Classification: Uncertain significance for Chromosome 2q32-q33 deletion syndrome. Last evaluated: 2023-12-21. Review status: criteria provided, single submitter. Criteria: ACMG Guidelines, 2015. Collection method: clinical testing. Allele origin: germline. Inheritance: Autosomal dominant inheritance. Affected: yes.
Comment: Based on the classification scheme VCGS_Germline_v1.3.4, this variant is classified as VUS-3B. Following criteria are met: 0102 - Loss of function is a known mechanism of disease in this gene and is associated with Glass syndrome (MIM#612313). (I) 0107 - This gene is associated with autosomal dominant disease. (I) 0115 - Variants in this gene are known to have variable expressivity (OMIM). (I) 0200 - Variant is predicted to result in a missense amino acid change from asparagine to serine. (I) 0251 - This variant is heterozygous. (I) 0302 - Variant is present in gnomAD (v2) <0.001 for a dominant condition (1 heterozygote, 0 homozygotes). (SP) 0502 - Missense variant with conflicting in silico predictions and uninformative conservation. (I) 0600 - Variant is located in the annotated CUT1-like DNA-binding domain of SATB (DECIPHER). (I) 0705 - No comparable missense variants have previous evidence for pathogenicity. (I) 0807 - This variant has no previous evidence of pathogenicity. (I) 0905 - No published segregation evidence has been identified for this variant. (I) 1007 - No published functional evidence has been identified for this variant. (I) 1208 - Inheritance information for this variant is not currently available in this individual. (I) Legend: (SP) - Supporting pathogenic, (I) - Information, (SB) - Supporting benign